The following is an entry in ClinVar:

NM_000094.4(COL7A1):c.1921C>T (p.Gln641Ter)

Gene: COL7A1 (collagen type VII alpha 1 chain; minus strand). Cytogenetic location: 3p21.31.
Variant type: single nucleotide variant.
Coding change: c.1921C>T on transcript NM_000094.4 (MANE Select); coding-DNA position 1921, C replaced by T.
Protein change: p.Gln641Ter; replaces glutamine 641 with a stop codon.
Molecular consequence: nonsense.
Genome position (GRCh38, 1-based): chr3:48,590,342, G>A on the plus strand (C>T on the coding strand, the complement: COL7A1 is on the minus strand). VCF-style: chr3-48590342-G-A. GRCh37 (hg19) VCF-style: chr3-48627775-G-A.
Other names: short protein forms Q641*.
Identifiers: ClinVar variation 2203381 (VCV002203381.4), dbSNP rs758487727, ClinGen allele CA352727321.

ClinVar aggregate classification (germline): Pathogenic (1 of 4 stars; one submission).

Submission:

Labcorp Genetics (formerly Invitae), Labcorp
Classification: Pathogenic. Last evaluated: 2022-09-28. Review status: criteria provided, single submitter. Criteria: Invitae Variant Classification Sherloc (09022015). Collection method: clinical testing. Allele origin: germline.
Comment: This sequence change creates a premature translational stop signal (p.Gln641*) in the COL7A1 gene. It is expected to result in an absent or disrupted protein product. Loss-of-function variants in COL7A1 are known to be pathogenic (PMID: 16971478). For these reasons, this variant has been classified as Pathogenic. This premature translational stop signal has been observed in individual(s) with dystrophic epidermolysis bullosa (PMID: 16189623). This variant is not present in population databases (gnomAD no frequency).

Literature cited by the submitters: PubMed 16971478; PubMed 16189623.